The following is an entry in ClinVar:

ClinVar aggregate classification (germline): Uncertain significance (1 of 4 stars; one submission).

Submission:

ARUP Laboratories, Molecular Genetics and Genomics, ARUP Laboratories
Classification: Uncertain significance. Last evaluated: 2019-08-30. Review status: criteria provided, single submitter. Criteria: ARUP Molecular Germline Variant Investigation Process. Collection method: clinical testing. Allele origin: germline.
Comment: The CR2 c.1187A>G; p.Gln396Arg variant, to our knowledge, is not reported in the medical literature or gene specific databases. This variant is also absent from general population databases (Exome Variant Server, Genome Aggregation Database), indicating it is not a common polymorphism. The glutamine at codon 396 is highly conserved, but computational analyses (SIFT: tolerated, PolyPhen-2: possibly damaging) predict conflicting effects of this variant on protein structure/function. Due to limited information, the clinical significance of this variant is uncertain at this time.

NM_001006658.3(CR2):c.1187A>G (p.Gln396Arg)

Genes: CR2 (complement C3d receptor 2; plus strand), LOC126805994 (BRD4-independent group 4 enhancer GRCh37_chr1:207642622-207643821; plus strand). Cytogenetic location: 1q32.2.
Variant type: single nucleotide variant.
Coding change: c.1187A>G on transcript NM_001006658.3 (MANE Select); coding-DNA position 1187, A replaced by G.
Protein change: p.Gln396Arg; replaces glutamine 396 with arginine.
Molecular consequence: missense variant.
Genome position (GRCh38, 1-based): chr1:207,470,064, A>G. VCF-style: chr1-207470064-A-G. GRCh37 (hg19) VCF-style: chr1-207643409-A-G.
Other names: c.1187A>G, p.Gln396Arg (NM_001877.5); short protein forms Q396R.
Identifiers: ClinVar variation 993592 (VCV000993592.8), dbSNP rs1658223443, ClinGen allele CA344529391.